The following is an entry in ClinVar:

NM_000642.3(AGL):c.4162-2A>T

Gene: AGL (amylo-alpha-1,6-glucosidase and 4-alpha-glucanotransferase; plus strand). Cytogenetic location: 1p21.2.
Variant type: single nucleotide variant.
Coding change: c.4162-2A>T on transcript NM_000642.3 (MANE Select); the canonical splice acceptor site of the intron before coding-DNA position 4162, A replaced by T.
Molecular consequence: splice acceptor variant.
Genome position (GRCh38, 1-based): chr1:99,915,387, A>T. VCF-style: chr1-99915387-A-T. GRCh37 (hg19) VCF-style: chr1-100380943-A-T.
Other names: c.4162-2A>T (NM_001425325.1, NM_000028.3, NM_000643.3 and 1 more transcripts); c.4114-2A>T (NM_000646.3); c.4141-2A>T (NM_001425326.1); c.3961-2A>T (NM_001425327.1); c.3958-2A>T (NM_001425328.1); c.3823-2A>T (NM_001425329.1); c.3784-2A>T (NM_001425332.1).
Identifiers: ClinVar variation 2771588 (VCV002771588.3), dbSNP rs1570514784, ClinGen allele CA341340748.

ClinVar aggregate classification (germline): Likely pathogenic (1 of 4 stars; one submission).

Conditions:
Glycogen storage disease type III (GSD3). Also called: FORBES DISEASE; Cori disease. Identifiers: Orphanet 366, MedGen C0017922, MONDO:0009291, OMIM 232400.

Submission:

Labcorp Genetics (formerly Invitae), Labcorp
Classification: Likely pathogenic for Glycogen storage disease type III. Last evaluated: 2023-10-24. Review status: criteria provided, single submitter. Criteria: Invitae Variant Classification Sherloc (09022015). Collection method: clinical testing. Allele origin: germline.
Comment: This sequence change affects an acceptor splice site in intron 30 of the AGL gene. It is expected to disrupt RNA splicing. Variants that disrupt the donor or acceptor splice site typically lead to a loss of protein function (PMID: 16199547), and loss-of-function variants in AGL are known to be pathogenic (PMID: 19299494). This variant is not present in population databases (gnomAD no frequency). This variant has not been reported in the literature in individuals affected with AGL-related conditions. Algorithms developed to predict the effect of sequence changes on RNA splicing suggest that this variant may disrupt the consensus splice site. In summary, the currently available evidence indicates that the variant is pathogenic, but additional data are needed to prove that conclusively. Therefore, this variant has been classified as Likely Pathogenic.

Literature cited by the submitters: PubMed 16199547; PubMed 19299494.